The following is an entry in ClinVar:

NM_020964.3(EPG5):c.38C>T (p.Ala13Val)

Gene: EPG5 (ectopic P-granules 5 autophagy tethering factor; minus strand). Cytogenetic location: 18q21.1.
Variant type: single nucleotide variant.
Coding change: c.38C>T on transcript NM_020964.3 (MANE Select); coding-DNA position 38, C replaced by T.
Protein change: p.Ala13Val; replaces alanine 13 with valine.
Molecular consequence: missense variant.
Genome position (GRCh38, 1-based): chr18:45,967,202, G>A on the plus strand (C>T on the coding strand, the complement: EPG5 is on the minus strand). VCF-style: chr18-45967202-G-A. GRCh37 (hg19) VCF-style: chr18-43547168-G-A.
Other names: c.38C>T, p.Ala13Val (NM_001410858.1, NM_001410859.1); short protein forms A13V.
Identifiers: ClinVar variation 1909203 (VCV001909203.5), dbSNP rs1479299665, ClinGen allele CA402350057.
Genomic context (GRCh38, chr18:45,967,202, plus strand): 5'-TGCCAGAGCCTCGGGAGGGTGGGGGAGATCCTCACCTTTGTTTTAGTCCGGCTGGCCTTG[G>A]CCTTGGCCCGGCGCTGGGGCTTCACCGCCTCGGCCATAGACCCTTCCGCGGCGCCGTCAC-3'
Protein context (NP_066015.2, residues 3-23): EAVKPQRRAK[Ala13Val]KASRTKTKEK

ClinVar aggregate classification (germline): Uncertain significance (1 of 4 stars; one submission).

Conditions:
Vici syndrome (VICIS). Identifiers: Orphanet 1493, MedGen C1855772, MONDO:0009452, OMIM 242840.

Allele frequency attached by ClinVar (database versions not stated): gnomAD exomes below 0.00001; TOPMed below 0.00001.
gnomAD v4.1: 4 of 1,605,698 alleles (0.00025%); highest among the groups gnomAD compares: Non-Finnish European, 0.00034%; no homozygotes.

Submission:

Labcorp Genetics (formerly Invitae), Labcorp
Classification: Uncertain significance for Vici syndrome. Last evaluated: 2025-05-29. Review status: criteria provided, single submitter. Criteria: Invitae Variant Classification Sherloc (09022015). Collection method: clinical testing. Allele origin: germline.
Comment: This sequence change replaces alanine, which is neutral and non-polar, with valine, which is neutral and non-polar, at codon 13 of the EPG5 protein (p.Ala13Val). The frequency data for this variant in the population databases is considered unreliable, as metrics indicate poor data quality at this position in the gnomAD database. This variant has not been reported in the literature in individuals affected with EPG5-related conditions. ClinVar contains an entry for this variant (Variation ID: 1909203). An algorithm developed to predict the effect of missense changes on protein structure and function (PolyPhen-2) suggests that this variant is likely to be disruptive. In summary, the available evidence is currently insufficient to determine the role of this variant in disease. Therefore, it has been classified as a Variant of Uncertain Significance.